The following is an entry in ClinVar:

ClinVar aggregate classification (germline): Uncertain significance (1 of 4 stars; one submission).

Conditions:
Hereditary cancer-predisposing syndrome. Also called: Tumor predisposition; Hereditary Cancer Syndrome; Hereditary neoplastic syndrome; Neoplastic Syndromes, Hereditary. Identifiers: Orphanet 140162, MedGen C0027672, MeSH D009386, MONDO:0015356.

Submission:

Ambry Genetics
Classification: Uncertain significance for Hereditary cancer-predisposing syndrome. Last evaluated: 2023-06-17. Review status: criteria provided, single submitter. Criteria: Ambry Variant Classification Scheme 2023. Collection method: clinical testing. Allele origin: germline.
Comment: The p.T130K variant (also known as c.389C>A), located in coding exon 4 of the TSC1 gene, results from a C to A substitution at nucleotide position 389. The threonine at codon 130 is replaced by lysine, an amino acid with similar properties. This amino acid position is conserved. In addition, this alteration is predicted to be deleterious by in silico analysis. Since supporting evidence is limited at this time, the clinical significance of this alteration remains unclear.

NM_000368.5(TSC1):c.389C>A (p.Thr130Lys)

Gene: TSC1 (TSC complex subunit 1; minus strand). Cytogenetic location: 9q34.13.
Variant type: single nucleotide variant.
Coding change: c.389C>A on transcript NM_000368.5 (MANE Select); coding-DNA position 389, C replaced by A.
Protein change: p.Thr130Lys; replaces threonine 130 with lysine.
Molecular consequence: missense variant. On other transcripts: 5 prime UTR variant (5), non-coding transcript variant (5).
Genome position (GRCh38, 1-based): chr9:132,923,467, G>T on the plus strand (C>A on the coding strand, the complement: TSC1 is on the minus strand). VCF-style: chr9-132923467-G-T. GRCh37 (hg19) VCF-style: chr9-135798854-G-T.
Other names: c.26C>A, p.Thr9Lys (NM_001406620.1, NM_001406621.1, NM_001406622.1 and 10 more transcripts); c.-489C>A (NM_001406626.1, NM_001406627.1, NM_001406628.1); c.-631C>A (NM_001406629.1); c.-705C>A (NM_001406630.1); c.389C>A, p.Thr130Lys (NM_001162426.2, NM_001406592.1, NM_001406593.1 and 16 more transcripts); c.236C>A, p.Thr79Lys (NM_001162427.2, NM_001406610.1, NM_001406611.1 and 2 more transcripts); short protein forms T79K, T9K, T130K.
Identifiers: ClinVar variation 2620294 (VCV002620294.2), dbSNP rs779340088, ClinGen allele CA375373660.
Genomic context (GRCh38, chr9:132,923,467, plus strand): 5'-TGCTGTTTCCCAGACTGTGGAATCATTGGTAGCATGGTTATCAACACCAAGACGCCTGTT[G>T]TGAGGACAACGACGTCAGTGTCCATCTGCAGGAGAAAAGGTCAAACAGGAAACGTCTGTC-3'
Protein context (NP_000359.1, residues 120-140): LKMDTDVVVL[Thr130Lys]TGVLVLITML